The following is an entry in ClinVar:

ClinVar aggregate classification (germline): Uncertain significance (1 of 4 stars; one submission).

Conditions:
Familial hemiplegic migraine. Identifiers: MedGen C0338484, MONDO:0000700.

Allele frequency attached by ClinVar (database versions not stated): gnomAD exomes below 0.00001.
gnomAD v4.1: 3 of 1,612,404 alleles (0.00019%); highest among the groups gnomAD compares: Non-Finnish European, 0.00017%; no homozygotes.

Submission:

Labcorp Genetics (formerly Invitae), Labcorp
Classification: Uncertain significance for Familial hemiplegic migraine. Last evaluated: 2025-04-14. Review status: criteria provided, single submitter. Criteria: Invitae Variant Classification Sherloc (09022015). Collection method: clinical testing. Allele origin: germline.
Comment: This sequence change replaces valine, which is neutral and non-polar, with alanine, which is neutral and non-polar, at codon 185 of the ATP1A2 protein (p.Val185Ala). This variant is not present in population databases (gnomAD no frequency). This variant has not been reported in the literature in individuals affected with ATP1A2-related conditions. ClinVar contains an entry for this variant (Variation ID: 2841042). Invitae Evidence Modeling of protein sequence and biophysical properties (such as structural, functional, and spatial information, amino acid conservation, physicochemical variation, residue mobility, and thermodynamic stability) indicates that this missense variant is not expected to disrupt ATP1A2 protein function with a negative predictive value of 80%. In summary, the available evidence is currently insufficient to determine the role of this variant in disease. Therefore, it has been classified as a Variant of Uncertain Significance.

NM_000702.4(ATP1A2):c.554T>C (p.Val185Ala)

Genes: ATP1A2 (ATPase Na+/K+ transporting subunit alpha 2; plus strand), LOC126805890 (CDK7 strongly-dependent group 2 enhancer GRCh37_chr1:160093987-160095186; plus strand). Cytogenetic location: 1q23.2.
Variant type: single nucleotide variant.
Coding change: c.554T>C on transcript NM_000702.4 (MANE Select); coding-DNA position 554, T replaced by C.
Protein change: p.Val185Ala; replaces valine 185 with alanine.
Molecular consequence: missense variant.
Genome position (GRCh38, 1-based): chr1:160,124,354, T>C. VCF-style: chr1-160124354-T-C. GRCh37 (hg19) VCF-style: chr1-160094144-T-C.
Other names: short protein forms V185A.
Identifiers: ClinVar variation 2841042 (VCV002841042.3), dbSNP rs1570985567, ClinGen allele CA343233653.